The following is an entry in ClinVar:

ClinVar aggregate classification (germline): Likely benign (1 of 4 stars; one submission).

gnomAD v4.1: 189 of 1,613,944 alleles (0.012%); highest among the groups gnomAD compares: Non-Finnish European, 0.015%; no homozygotes.

Submission:

CeGaT Center for Human Genetics Tuebingen
Classification: Likely benign. Last evaluated: 2024-11-01. Review status: criteria provided, single submitter. Criteria: CeGaT Center For Human Genetics Tuebingen Variant Classification Criteria Version 2. Collection method: clinical testing. Allele origin: germline. Affected: yes. Observed: 1 variant allele.
Comment: KAZN: BP4, BP7

NM_201628.3(KAZN):c.534C>A (p.Arg178=)

Gene: KAZN (kazrin, periplakin interacting protein; plus strand). Cytogenetic location: 1p36.21.
Variant type: single nucleotide variant.
Coding change: c.534C>A on transcript NM_201628.3 (MANE Select); coding-DNA position 534, C replaced by A.
Protein change: p.Arg178=; no amino-acid change (arginine 178 retained).
Molecular consequence: synonymous variant.
Genome position (GRCh38, 1-based): chr1:15,034,864, C>A. VCF-style: chr1-15034864-C-A. GRCh37 (hg19) VCF-style: chr1-15361360-C-A.
Other names: c.252C>A, p.Arg84= (NM_001017999.3, NM_001018001.3, NM_001370231.2); c.516C>A, p.Arg172= (NM_001018000.4); c.507C>A, p.Arg169= (NM_001370229.2); c.339C>A, p.Arg113= (NM_001370230.2); c.534C>A, p.Arg178= (NM_015209.3).
Identifiers: ClinVar variation 3388999 (VCV003388999.14).